The following is an entry in ClinVar:

NM_005120.3(MED12):c.3808G>C (p.Val1270Leu)

Gene: MED12 (mediator complex subunit 12; plus strand). Cytogenetic location: Xq13.1.
Variant type: single nucleotide variant.
Coding change: c.3808G>C on transcript NM_005120.3 (MANE Select); coding-DNA position 3808, G replaced by C.
Protein change: p.Val1270Leu; replaces valine 1270 with leucine.
Molecular consequence: missense variant.
Genome position (GRCh38, 1-based): chrX:71,129,796, G>C. VCF-style: chrX-71129796-G-C. GRCh37 (hg19) VCF-style: chrX-70349646-G-C.
Other names: short protein forms V1270L.
Identifiers: ClinVar variation 3681738 (VCV003681738.3).

ClinVar aggregate classification (germline): Conflicting classifications of pathogenicity. Review status: criteria provided, conflicting classifications (1 of 4 stars). 2 submissions from 2 submitters: Uncertain significance (1); Likely benign (1). Last evaluated 2025-09-11.

Conditions:
FG syndrome (FGS). Identifiers: MedGen C0220769, MONDO:0002010.

gnomAD v4.1: 1 of 1,211,605 alleles (0.000083%); highest among the groups gnomAD compares: Admixed American, 0.0022%; no homozygotes.

Submissions (2):

Women's Health and Genetics/Laboratory Corporation of America, LabCorp
Classification: Uncertain significance. Last evaluated: 2025-09-11. Review status: criteria provided, single submitter. Criteria: LabCorp Variant Classification Summary - May 2015. Collection method: clinical testing. Allele origin: germline.
Comment: Variant summary: MED12 c.3808G>C (p.Val1270Leu) results in a conservative amino acid change in the encoded protein sequence. Algorithms developed to predict the effect of missense changes on protein structure and function are either unavailable or do not agree on the potential impact of this missense change. The variant allele was found at a frequency of 1.1e-05 in 178768 control chromosomes. The available data on variant occurrences in the general population are insufficient to allow any conclusion about variant significance. To our knowledge, no occurrence of c.3808G>C in individuals affected with MED12-related conditions and no experimental evidence demonstrating its impact on protein function have been reported. ClinVar contains an entry for this variant (Variation ID: 3681738). Based on the evidence outlined above, the variant was classified as uncertain significance.

Labcorp Genetics (formerly Invitae), Labcorp
Classification: Likely benign for FG syndrome. Last evaluated: 2024-09-05. Review status: criteria provided, single submitter. Criteria: Invitae Variant Classification Sherloc (09022015). Collection method: clinical testing. Allele origin: germline.